The following is an entry in ClinVar:

NM_001348323.3(TRIP12):c.5695-4G>T

Gene: TRIP12 (thyroid hormone receptor interactor 12; minus strand). Cytogenetic location: 2q36.3.
Variant type: single nucleotide variant.
Coding change: c.5695-4G>T on transcript NM_001348323.3 (MANE Select); 4 bases into the intron before coding-DNA position 5695, G replaced by T.
Molecular consequence: intron variant.
Genome position (GRCh38, 1-based): chr2:229,771,636, C>A on the plus strand (G>T on the coding strand, the complement: TRIP12 is on the minus strand). VCF-style: chr2-229771636-C-A. GRCh37 (hg19) VCF-style: chr2-230636352-C-A.
Other names: NC_000002.11:g.230636352C>A; c.4660-4G>T (NM_001284216.2); c.5470-4G>T (NM_004238.3); c.5473-4G>T (NM_001348331.1); c.5554-4G>T (NM_001348317.1, NM_001348318.2); c.5569-4G>T (NM_001284215.2, NM_001348316.2); c.5593-4G>T (NM_001348332.1); c.5614-4G>T (NM_001284214.2, NM_001348315.2, NM_001284214.1); and 5 more.
Identifiers: ClinVar variation 775829 (VCV000775829.10), dbSNP rs111434821, ClinGen allele CA2152248.

ClinVar aggregate classification (germline): Benign. Review status: criteria provided, multiple submitters, no conflicts (2 of 4 stars). 4 submissions from 4 submitters: Benign (3). 1 of the submissions does not count toward it. Last evaluated 2021-05-05.

Conditions:
TRIP12-related disorder. Also called: TRIP12-related condition.

Allele frequency attached by ClinVar (database versions not stated): gnomAD exomes 0.00576; ExAC 0.00693; 1000 Genomes Project 0.02177; 1000 Genomes Project 30x 0.02311; gnomAD 0.02449; TOPMed 0.02563; ESP Exome Variant Server 0.02583.
gnomAD v4.1: 6,640 of 1,610,576 alleles (0.41%); highest among the groups gnomAD compares: African/African-American, 7.6%; 235 homozygotes.

Submissions 1 to 31 of 42:

GeneDx
Classification: Benign. Last evaluated: 2021-05-05. Review status: criteria provided, single submitter. Criteria: GeneDx Variant Classification Process June 2021. Collection method: clinical testing. Allele origin: germline. Affected: yes.

Labcorp Genetics (formerly Invitae), Labcorp
Classification: Benign. Last evaluated: 2019-12-31. Review status: criteria provided, single submitter. Criteria: Invitae Variant Classification Sherloc (09022015). Collection method: clinical testing. Allele origin: germline.

Breakthrough Genomics
Classification: Benign. Review status: criteria provided, single submitter. Criteria: ACMG Guidelines, 2015. Collection method: not provided. Allele origin: germline. Inheritance: Autosomal dominant inheritance. Affected: yes.

PreventionGenetics, part of Exact Sciences
Classification: Benign for TRIP12-related condition. Last evaluated: 2021-10-27. Review status: no assertion criteria provided. Collection method: clinical testing. Allele origin: germline. Not counted in ClinVar's aggregate classification.
Comment: This variant is classified as benign based on ACMG/AMP sequence variant interpretation guidelines (Richards et al. 2015 PMID: 25741868, with internal and published modifications).

Dr. Peter K. Rogan Lab, Western University
No classification provided (evidence only). Condition: Clear cell carcinoma of kidney. Review status: no classification provided. Collection method: in vitro. Allele origin: not applicable. Functional consequence: retained intron. Not counted in ClinVar's aggregate classification.

Dr. Peter K. Rogan Lab, Western University
No classification provided (evidence only). Condition: Clear cell carcinoma of kidney. Review status: no classification provided. Collection method: in vitro. Allele origin: not applicable. Functional consequence: retained intron. Not counted in ClinVar's aggregate classification.

Dr. Peter K. Rogan Lab, Western University
No classification provided (evidence only). Condition: Clear cell carcinoma of kidney. Review status: no classification provided. Collection method: in vitro. Allele origin: not applicable. Functional consequence: retained intron. Not counted in ClinVar's aggregate classification.

Dr. Peter K. Rogan Lab, Western University
No classification provided (evidence only). Condition: Lung cancer. Review status: no classification provided. Collection method: in vitro. Allele origin: not applicable. Functional consequence: skipped exon, retained intron. Not counted in ClinVar's aggregate classification.

Dr. Peter K. Rogan Lab, Western University
No classification provided (evidence only). Condition: Lung cancer. Review status: no classification provided. Collection method: in vitro. Allele origin: not applicable. Functional consequence: retained intron. Not counted in ClinVar's aggregate classification.

Dr. Peter K. Rogan Lab, Western University
No classification provided (evidence only). Condition: Melanoma. Review status: no classification provided. Collection method: in vitro. Allele origin: not applicable. Functional consequence: retained intron. Not counted in ClinVar's aggregate classification.

Dr. Peter K. Rogan Lab, Western University
No classification provided (evidence only). Condition: Acute myeloid leukemia. Review status: no classification provided. Collection method: in vitro. Allele origin: not applicable. Functional consequence: retained intron. Not counted in ClinVar's aggregate classification.

Dr. Peter K. Rogan Lab, Western University
No classification provided (evidence only). Condition: Colon adenocarcinoma. Review status: no classification provided. Collection method: in vitro. Allele origin: not applicable. Functional consequence: retained intron. Not counted in ClinVar's aggregate classification.

Dr. Peter K. Rogan Lab, Western University
No classification provided (evidence only). Condition: Colon adenocarcinoma. Review status: no classification provided. Collection method: in vitro. Allele origin: not applicable. Functional consequence: retained intron. Not counted in ClinVar's aggregate classification.

Dr. Peter K. Rogan Lab, Western University
No classification provided (evidence only). Condition: Colon adenocarcinoma. Review status: no classification provided. Collection method: in vitro. Allele origin: not applicable. Functional consequence: retained intron. Not counted in ClinVar's aggregate classification.

Dr. Peter K. Rogan Lab, Western University
No classification provided (evidence only). Condition: Uterine corpus endometrial carcinoma. Review status: no classification provided. Collection method: in vitro. Allele origin: not applicable. Functional consequence: retained intron. Not counted in ClinVar's aggregate classification.

Dr. Peter K. Rogan Lab, Western University
No classification provided (evidence only). Condition: Uterine corpus endometrial carcinoma. Review status: no classification provided. Collection method: in vitro. Allele origin: not applicable. Functional consequence: retained intron. Not counted in ClinVar's aggregate classification.

Dr. Peter K. Rogan Lab, Western University
No classification provided (evidence only). Condition: Uterine corpus endometrial carcinoma. Review status: no classification provided. Collection method: in vitro. Allele origin: not applicable. Functional consequence: retained intron. Not counted in ClinVar's aggregate classification.

Dr. Peter K. Rogan Lab, Western University
No classification provided (evidence only). Condition: Uterine corpus endometrial carcinoma. Review status: no classification provided. Collection method: in vitro. Allele origin: not applicable. Functional consequence: retained intron. Not counted in ClinVar's aggregate classification.

Dr. Peter K. Rogan Lab, Western University
No classification provided (evidence only). Condition: Uterine corpus endometrial carcinoma. Review status: no classification provided. Collection method: in vitro. Allele origin: not applicable. Functional consequence: retained intron. Not counted in ClinVar's aggregate classification.

Dr. Peter K. Rogan Lab, Western University
No classification provided (evidence only). Condition: Uterine corpus endometrial carcinoma. Review status: no classification provided. Collection method: in vitro. Allele origin: not applicable. Functional consequence: retained intron. Not counted in ClinVar's aggregate classification.

Dr. Peter K. Rogan Lab, Western University
No classification provided (evidence only). Condition: Uterine corpus endometrial carcinoma. Review status: no classification provided. Collection method: in vitro. Allele origin: not applicable. Functional consequence: retained intron. Not counted in ClinVar's aggregate classification.

Dr. Peter K. Rogan Lab, Western University
No classification provided (evidence only). Condition: Uterine corpus endometrial carcinoma. Review status: no classification provided. Collection method: in vitro. Allele origin: not applicable. Functional consequence: retained intron. Not counted in ClinVar's aggregate classification.

Dr. Peter K. Rogan Lab, Western University
No classification provided (evidence only). Condition: Uterine corpus endometrial carcinoma. Review status: no classification provided. Collection method: in vitro. Allele origin: not applicable. Functional consequence: retained intron. Not counted in ClinVar's aggregate classification.

Dr. Peter K. Rogan Lab, Western University
No classification provided (evidence only). Condition: Uterine corpus endometrial carcinoma. Review status: no classification provided. Collection method: in vitro. Allele origin: not applicable. Functional consequence: retained intron. Not counted in ClinVar's aggregate classification.

Dr. Peter K. Rogan Lab, Western University
No classification provided (evidence only). Condition: Cervical cancer. Review status: no classification provided. Collection method: in vitro. Allele origin: not applicable. Functional consequence: retained intron. Not counted in ClinVar's aggregate classification.

Dr. Peter K. Rogan Lab, Western University
No classification provided (evidence only). Condition: Cervical cancer. Review status: no classification provided. Collection method: in vitro. Allele origin: not applicable. Functional consequence: retained intron. Not counted in ClinVar's aggregate classification.

Dr. Peter K. Rogan Lab, Western University
No classification provided (evidence only). Condition: Cervical cancer. Review status: no classification provided. Collection method: in vitro. Allele origin: not applicable. Functional consequence: retained intron. Not counted in ClinVar's aggregate classification.

Dr. Peter K. Rogan Lab, Western University
No classification provided (evidence only). Condition: Cervical cancer. Review status: no classification provided. Collection method: in vitro. Allele origin: not applicable. Functional consequence: retained intron. Not counted in ClinVar's aggregate classification.

Dr. Peter K. Rogan Lab, Western University
No classification provided (evidence only). Condition: Cervical cancer. Review status: no classification provided. Collection method: in vitro. Allele origin: not applicable. Functional consequence: retained intron. Not counted in ClinVar's aggregate classification.

Dr. Peter K. Rogan Lab, Western University
No classification provided (evidence only). Condition: Sarcoma. Review status: no classification provided. Collection method: in vitro. Allele origin: not applicable. Functional consequence: retained intron. Not counted in ClinVar's aggregate classification.

Dr. Peter K. Rogan Lab, Western University
No classification provided (evidence only). Condition: Sarcoma. Review status: no classification provided. Collection method: in vitro. Allele origin: not applicable. Functional consequence: retained intron. Not counted in ClinVar's aggregate classification.